The following is an entry in ClinVar:

ClinVar aggregate classification (germline): Uncertain significance. Review status: criteria provided, multiple submitters, no conflicts (2 of 4 stars). 2 submissions from 2 submitters: Uncertain significance (2). Last evaluated 2021-12-14.

Allele frequency attached by ClinVar (database versions not stated): gnomAD 0.00001 and 0.00002; gnomAD exomes 0.00001 and 0.00002; TOPMed 0.00001; ExAC 0.00002; 1000 Genomes Project 30x 0.00016; 1000 Genomes Project 0.00020.
gnomAD v4.1: 23 of 1,550,956 alleles (0.0015%); highest among the groups gnomAD compares: East Asian, 0.0047%; no homozygotes.

Submissions (2):

Labcorp Genetics (formerly Invitae), Labcorp
Classification: Uncertain significance. Last evaluated: 2021-12-14. Review status: criteria provided, single submitter. Criteria: Invitae Variant Classification Sherloc (09022015). Collection method: clinical testing. Allele origin: germline.
Comment: Algorithms developed to predict the effect of missense changes on protein structure and function are either unavailable or do not agree on the potential impact of this missense change (SIFT: "Not Available"; PolyPhen-2: "Probably Damaging"; Align-GVGD: "Not Available"). ClinVar contains an entry for this variant (Variation ID: 392067). This variant has not been reported in the literature in individuals affected with ANK3-related conditions. The frequency data for this variant in the population databases is considered unreliable, as metrics indicate poor data quality at this position in the gnomAD database. This sequence change replaces glycine, which is neutral and non-polar, with arginine, which is basic and polar, at codon 4146 of the ANK3 protein (p.Gly4146Arg). In summary, the available evidence is currently insufficient to determine the role of this variant in disease. Therefore, it has been classified as a Variant of Uncertain Significance.

GeneDx
Classification: Uncertain significance. Last evaluated: 2017-01-09. Review status: criteria provided, single submitter. Criteria: GeneDx Variant Classification (06012015). Collection method: clinical testing. Allele origin: germline. Affected: yes.
Comment: The G4146R variant in the ANK3 gene has not been reported previously as a pathogenic variant, nor as a benign variant, to our knowledge. The G4146R variant was not observed in approximately 6500 individuals of European and African American ancestry in the NHLBI Exome Sequencing Project, indicating it is not a common benign variant in these populations. The G4146R variant is a non-conservative amino acid substitution, which is likely to impact secondary protein structure as these residues differ in polarity, charge, size and/or other properties. This substitution occurs at a position that is conserved across species. In silico analysis predicts this variant is probably damaging to the protein structure/function. We interpret G4146R as a variant of uncertain significance.

NM_020987.5(ANK3):c.12436G>A (p.Gly4146Arg)

Gene: ANK3 (ankyrin 3; minus strand). Cytogenetic location: 10q21.2.
Variant type: single nucleotide variant.
Coding change: c.12436G>A on transcript NM_020987.5 (MANE Select); coding-DNA position 12436, G replaced by A.
Protein change: p.Gly4146Arg; replaces glycine 4146 with arginine.
Molecular consequence: missense variant.
Genome position (GRCh38, 1-based): chr10:60,064,172, C>T on the plus strand (G>A on the coding strand, the complement: ANK3 is on the minus strand). VCF-style: chr10-60064172-C-T. GRCh37 (hg19) VCF-style: chr10-61823930-C-T.
Other names: c.1999G>A, p.Gly667Arg (NM_001149.4); c.4579G>A, p.Gly1527Arg (NM_001204403.2); c.4600G>A, p.Gly1534Arg (NM_001204404.2); c.4597G>A, p.Gly1533Arg (NM_001320874.2); short protein forms G1527R, G4146R, G1534R, G667R, G1533R.
Identifiers: ClinVar variation 392067 (VCV000392067.7), dbSNP rs184370155, ClinGen allele CA5510895.